The following is an entry in ClinVar:

ClinVar aggregate classification (germline): Uncertain significance (0 of 4 stars; one submission).

Conditions:
SPTBN1-related disorder. Also called: SPTBN1-related condition.

Submission:

PreventionGenetics, part of Exact Sciences
Classification: Uncertain significance for SPTBN1-related condition. Last evaluated: 2024-05-08. Review status: no assertion criteria provided. Collection method: clinical testing. Allele origin: germline.
Comment: The SPTBN1 c.6803A>G variant is predicted to result in the amino acid substitution p.Tyr2268Cys. To our knowledge, this variant has not been reported in the literature or in a large population database, indicating this variant is rare. At this time, the clinical significance of this variant is uncertain due to the absence of conclusive functional and genetic evidence.

NM_003128.3(SPTBN1):c.6803A>G (p.Tyr2268Cys)

Genes: SPTBN1 (spectrin beta, non-erythrocytic 1; plus strand), SPTBN1-AS2 (SPTBN1 antisense RNA 2; minus strand). Cytogenetic location: 2p16.2.
Variant type: single nucleotide variant.
Coding change: c.6803A>G on transcript NM_003128.3 (MANE Select); coding-DNA position 6803, A replaced by G.
Protein change: p.Tyr2268Cys; replaces tyrosine 2268 with cysteine.
Molecular consequence: missense variant.
Genome position (GRCh38, 1-based): chr2:54,666,058, A>G. VCF-style: chr2-54666058-A-G. GRCh37 (hg19) VCF-style: chr2-54893195-A-G.
Other names: short protein forms Y2268C.
Identifiers: ClinVar variation 3346726 (VCV003346726.1).